The following is an entry in ClinVar:

ClinVar aggregate classification (germline): Uncertain significance (1 of 4 stars; one submission).

Conditions:
Dyskeratosis congenita, autosomal dominant 2. Identifiers: MedGen C3151443, MONDO:0013521, OMIM 613989.
Idiopathic Pulmonary Fibrosis. Also called: Idiopathic fibrosing alveolitis, chronic form; idiopathic fibrosing alveolitis. Identifiers: Orphanet 2032, MedGen C1800706, MeSH D054990, MONDO:0800504.

Submission:

Labcorp Genetics (formerly Invitae), Labcorp
Classification: Uncertain significance for Dyskeratosis congenita, autosomal dominant 2; Idiopathic Pulmonary Fibrosis. Last evaluated: 2025-06-25. Review status: criteria provided, single submitter. Criteria: Invitae Variant Classification Sherloc (09022015). Collection method: clinical testing. Allele origin: germline.
Comment: This sequence change replaces tyrosine, which is neutral and polar, with cysteine, which is neutral and slightly polar, at codon 18 of the TERT protein (p.Tyr18Cys). This variant is not present in population databases (gnomAD no frequency). This variant has not been reported in the literature in individuals affected with TERT-related conditions. Invitae Evidence Modeling of protein sequence and biophysical properties (such as structural, functional, and spatial information, amino acid conservation, physicochemical variation, residue mobility, and thermodynamic stability) indicates that this missense variant is expected to disrupt TERT protein function with a positive predictive value of 95%. In summary, the available evidence is currently insufficient to determine the role of this variant in disease. Therefore, it has been classified as a Variant of Uncertain Significance.

NM_198253.3(TERT):c.53A>G (p.Tyr18Cys)

Genes: TERT (telomerase reverse transcriptase; minus strand), LOC110806263 (TERT 5' regulatory region; plus strand). Cytogenetic location: 5p15.33.
Variant type: single nucleotide variant.
Coding change: c.53A>G on transcript NM_198253.3 (MANE Select); coding-DNA position 53, A replaced by G.
Protein change: p.Tyr18Cys; replaces tyrosine 18 with cysteine.
Molecular consequence: missense variant. On other transcripts: non-coding transcript variant (2).
Genome position (GRCh38, 1-based): chr5:1,294,937, T>C on the plus strand (A>G on the coding strand, the complement: TERT is on the minus strand). VCF-style: chr5-1294937-T-C. GRCh37 (hg19) VCF-style: chr5-1295052-T-C.
Other names: c.53A>G, p.Tyr18Cys (NM_001193376.3); short protein forms Y18C.
Identifiers: ClinVar variation 4783696 (VCV004783696.1).
Genomic context (GRCh38, chr5:1,294,937, plus strand): 5'-AGCCGCCAGCCCTGGGGCCCCAGGCGCCGCACGAACGTGGCCAGCGGCAGCACCTCGCGG[T>C]AGTGGCTGCGCAGCAGGGAGCGCACGGCTCGGCAGCGGGGAGCGCGCGGCATCGCGGGGG-3'
Protein context (NP_937983.2, residues 8-28): RAVRSLLRSH[Tyr18Cys]REVLPLATFV